The following is an entry in ClinVar:

ClinVar aggregate classification (germline): Likely benign. Review status: criteria provided, multiple submitters, no conflicts (2 of 4 stars). 2 submissions from 2 submitters: Likely benign (2). Last evaluated 2022-04-21.

Allele frequency attached by ClinVar (database versions not stated): TOPMed 0.00001.

Submissions (2):

Labcorp Genetics (formerly Invitae), Labcorp
Classification: Likely benign. Last evaluated: 2022-04-21. Review status: criteria provided, single submitter. Criteria: Invitae Variant Classification Sherloc (09022015). Collection method: clinical testing. Allele origin: germline.

GeneDx
Classification: Likely benign. Last evaluated: 2016-08-05. Review status: criteria provided, single submitter. Criteria: GeneDx Variant Classification (06012015). Collection method: clinical testing. Allele origin: germline. Affected: yes.
Comment: This variant is considered likely benign or benign based on one or more of the following criteria: it is a conservative change, it occurs at a poorly conserved position in the protein, it is predicted to be benign by multiple in silico algorithms, and/or has population frequency not consistent with disease.

NM_182476.3(COQ6):c.358-17T>C

Genes: COQ6 (coenzyme Q6, monooxygenase; plus strand), ENTPD5 (ectonucleoside triphosphate diphosphohydrolase 5; minus strand). Cytogenetic location: 14q24.3.
Variant type: single nucleotide variant.
Coding change: c.358-17T>C on transcript NM_182476.3 (MANE Select); 17 bases into the intron before coding-DNA position 358, T replaced by C.
Molecular consequence: intron variant. On other transcripts: 3 prime UTR variant (1).
Genome position (GRCh38, 1-based): chr14:73,955,788, T>C. VCF-style: chr14-73955788-T-C. GRCh37 (hg19) VCF-style: chr14-74422491-T-C.
Other names: c.*32A>G (NM_001382262.1); c.283-17T>C (NM_001425258.1, NM_182480.3); c.133-17T>C (NM_001425259.1, NM_001425261.1, NM_001425260.1); c.31-17T>C (NM_001425263.1); c.358-17T>C (NM_001425255.1, NM_001425256.1); c.-52-17T>C (NM_001425265.1, NM_001425264.1); c.357+279T>C (NM_001425262.1); c.193-17T>C (NM_001425257.1); and 1 more.
Identifiers: ClinVar variation 388269 (VCV000388269.8), dbSNP rs1057523047, ClinGen allele CA16607672.
Genomic context (GRCh38, chr14:73,955,788, plus strand): 5'-GGGAAAGCAATATTGTTTCTGATTGGAGTGATGTTTCCCTCTTGGTTTTAATGCAGACTT[T>C]CCTTTTGTGTTTCCAGGTGTGGGACGCCTGCTCAGAGGCCCTGATAATGTTTGATAAGGA-3'